The following is an entry in ClinVar:

NM_016616.5(NME8):c.206C>G (p.Ala69Gly)

Gene: NME8 (NME/NM23 family member 8; plus strand). Cytogenetic location: 7p14.1.
Variant type: single nucleotide variant.
Coding change: c.206C>G on transcript NM_016616.5 (MANE Select); coding-DNA position 206, C replaced by G.
Protein change: p.Ala69Gly; replaces alanine 69 with glycine.
Molecular consequence: missense variant.
Genome position (GRCh38, 1-based): chr7:37,857,281, C>G. VCF-style: chr7-37857281-C-G. GRCh37 (hg19) VCF-style: chr7-37896883-C-G.
Other names: short protein forms A69G.
Identifiers: ClinVar variation 2487905 (VCV002487905.4), dbSNP rs2483614975, ClinGen allele CA367220091.

ClinVar aggregate classification (germline): Uncertain significance. Review status: criteria provided, multiple submitters, no conflicts (2 of 4 stars). 2 submissions from 2 submitters: Uncertain significance (2). Last evaluated 2024-09-29.

Conditions:
Primary ciliary dyskinesia. Also called: Ciliary dyskinesia. Identifiers: Orphanet 244, MedGen C0008780, MONDO:0016575, HP:0012265.
Primary ciliary dyskinesia 6. Also called: Primary Ciliary Dyskinesia 6: TXNDC3-Related Primary Ciliary Dyskinesia. Identifiers: Orphanet 244, MedGen C1970506, MONDO:0012571, OMIM 610852.

Submissions (2):

Labcorp Genetics (formerly Invitae), Labcorp
Classification: Uncertain significance for Primary ciliary dyskinesia 6. Last evaluated: 2024-09-29. Review status: criteria provided, single submitter. Criteria: Invitae Variant Classification Sherloc (09022015). Collection method: clinical testing. Allele origin: germline.
Comment: This sequence change replaces alanine, which is neutral and non-polar, with glycine, which is neutral and non-polar, at codon 69 of the NME8 protein (p.Ala69Gly). This variant is not present in population databases (gnomAD no frequency). This variant has not been reported in the literature in individuals affected with NME8-related conditions. ClinVar contains an entry for this variant (Variation ID: 2487905). Invitae Evidence Modeling of protein sequence and biophysical properties (such as structural, functional, and spatial information, amino acid conservation, physicochemical variation, residue mobility, and thermodynamic stability) has been performed for this missense variant. However, the output from this modeling did not meet the statistical confidence thresholds required to predict the impact of this variant on NME8 protein function. In summary, the available evidence is currently insufficient to determine the role of this variant in disease. Therefore, it has been classified as a Variant of Uncertain Significance.

Ambry Genetics
Classification: Uncertain significance for Primary ciliary dyskinesia. Last evaluated: 2023-02-22. Review status: criteria provided, single submitter. Criteria: Ambry Variant Classification Scheme 2023. Collection method: clinical testing. Allele origin: germline.